The following is an entry in ClinVar:

ClinVar aggregate classification (germline): Likely pathogenic (1 of 4 stars; one submission).

Conditions:
Phelan-McDermid syndrome. Also called: TELOMERIC 22q13 MONOSOMY SYNDROME; 22q13.3 deletion syndrome; Phelan-McDermid Syndrome-SHANK3 Related. Identifiers: Orphanet 48652, MedGen C1853490, MONDO:0011652, OMIM 606232.

Submission:

Service of Pediatric Gastrohepatology and Metabolic Diseases, University of Medicine of Tirana
Classification: Likely pathogenic for Phelan-McDermid syndrome. Last evaluated: 2026-04-29. Review status: criteria provided, single submitter. Criteria: ACMG Guidelines, 2015. Collection method: clinical testing. Allele origin: germline. Inheritance: Autosomal dominant inheritance. Affected: yes. Observed: 1 variant allele.
Comment: The chr22:50059391-50807968 deletion was classified as Likely pathogenic using ACMG/ClinGen CNV/SV 2019 technical standards (PMID:31690835), with ACMG/AMP 2015 considered where applicable. Pathogenicity is supported by overlap with the 22q13.33/Phelan-McDermid critical region, dosage-sensitive gene content including the terminal 22q13 interval, rarity, and phenotype concordance with OMIM:606232.

Single allele

Genes: CHKB-CPT1B (CHKB-CPT1B readthrough (NMD candidate); minus strand), SYCE3 (synaptonemal complex central element protein 3; minus strand), TRABD (TraB domain containing; plus strand), TRABD-AS1 (TRABD antisense RNA 1; minus strand), CHKB-DT (CHKB divergent transcript; plus strand) and 126 more. Cytogenetic location: 22q13.33.
Variant type: Deletion.
Identifiers: ClinVar variation 4849583 (VCV004849583.1).